The following is an entry in ClinVar:

NM_001001557.4(GDF6):c.734C>T (p.Ala245Val)

Gene: GDF6 (growth differentiation factor 6; minus strand). Cytogenetic location: 8q22.1.
Variant type: single nucleotide variant.
Coding change: c.734C>T on transcript NM_001001557.4 (MANE Select); coding-DNA position 734, C replaced by T.
Protein change: p.Ala245Val; replaces alanine 245 with valine.
Molecular consequence: missense variant.
Genome position (GRCh38, 1-based): chr8:96,145,197, G>A on the plus strand (C>T on the coding strand, the complement: GDF6 is on the minus strand). VCF-style: chr8-96145197-G-A. GRCh37 (hg19) VCF-style: chr8-97157425-G-A.
Other names: short protein forms A245V.
Identifiers: ClinVar variation 3351504 (VCV003351504.1).

ClinVar aggregate classification (germline): Uncertain significance (0 of 4 stars; one submission).

Conditions:
GDF6-related disorder. Also called: GDF6-related condition.

gnomAD v4.1: 1 of 1,499,982 alleles (0.000067%); highest among the groups gnomAD compares: East Asian, 0.0027%; no homozygotes.

Submission:

PreventionGenetics, part of Exact Sciences
Classification: Uncertain significance for GDF6-related condition. Last evaluated: 2024-03-08. Review status: no assertion criteria provided. Collection method: clinical testing. Allele origin: germline.
Comment: The GDF6 c.734C>T variant is predicted to result in the amino acid substitution p.Ala245Val. To our knowledge, this variant has not been reported in the literature or in a large population database, indicating this variant is rare. At this time, the clinical significance of this variant is uncertain due to the absence of conclusive functional and genetic evidence.